The following is an entry in ClinVar:

NM_001363705.2(UBR2):c.1299A>G (p.Thr433=)

Gene: UBR2 (ubiquitin protein ligase E3 component n-recognin 2; plus strand). Cytogenetic location: 6p21.1.
Variant type: single nucleotide variant.
Coding change: c.1299A>G on transcript NM_001363705.2 (MANE Select); coding-DNA position 1299, A replaced by G.
Protein change: p.Thr433=; no amino-acid change (threonine 433 retained).
Molecular consequence: synonymous variant.
Genome position (GRCh38, 1-based): chr6:42,632,569, A>G. VCF-style: chr6-42632569-A-G. GRCh37 (hg19) VCF-style: chr6-42600307-A-G.
Other names: c.1299A>G, p.Thr433= (NM_015255.3).
Identifiers: ClinVar variation 2656561 (VCV002656561.24), dbSNP rs201965422, ClinGen allele CA3807316.

ClinVar aggregate classification (germline): Likely benign (1 of 4 stars; one submission).

Allele frequency attached by ClinVar (database versions not stated): gnomAD 0.00011; ESP Exome Variant Server 0.00015; TOPMed 0.00022; ExAC 0.00046.
gnomAD v4.1: 348 of 1,608,230 alleles (0.022%); highest among the groups gnomAD compares: Middle Eastern, 0.15%; no homozygotes.

Submission:

CeGaT Center for Human Genetics Tuebingen
Classification: Likely benign. Last evaluated: 2022-03-01. Review status: criteria provided, single submitter. Criteria: CeGaT Center For Human Genetics Tuebingen Variant Classification Criteria Version 2. Collection method: clinical testing. Allele origin: germline. Affected: yes. Observed: 1 variant allele.
Comment: UBR2: BP4, BP7